The following is an entry in ClinVar:

NM_002110.5(HCK):c.185G>A (p.Gly62Glu)

Gene: HCK (HCK proto-oncogene, Src family tyrosine kinase; plus strand). Cytogenetic location: 20q11.21.
Variant type: single nucleotide variant.
Coding change: c.185G>A on transcript NM_002110.5 (MANE Select); coding-DNA position 185, G replaced by A.
Protein change: p.Gly62Glu; replaces glycine 62 with glutamic acid.
Molecular consequence: missense variant.
Genome position (GRCh38, 1-based): chr20:32,073,320, G>A. VCF-style: chr20-32073320-G-A. GRCh37 (hg19) VCF-style: chr20-30661123-G-A.
Other names: c.122G>A, p.Gly41Glu (NM_001172129.3, NM_001172131.3, NM_001172133.3); c.185G>A, p.Gly62Glu (NM_001172130.3); c.125G>A, p.Gly42Glu (NM_001172132.3); short protein forms G41E, G42E, G62E.
Identifiers: ClinVar variation 4534103 (VCV004534103.6).

ClinVar aggregate classification (germline): Likely benign (1 of 4 stars; one submission).

Submission:

CeGaT Center for Human Genetics Tuebingen
Classification: Likely benign. Last evaluated: 2025-11-01. Review status: criteria provided, single submitter. Criteria: CeGaT Center For Human Genetics Tuebingen Variant Classification Criteria Version 2. Collection method: clinical testing. Allele origin: germline. Affected: yes. Observed: 1 variant allele.
Comment: HCK: BP4